The following is an entry in ClinVar:

ClinVar aggregate classification (germline): Uncertain significance (1 of 4 stars; one submission).

Allele frequency attached by ClinVar (database versions not stated): gnomAD exomes below 0.00001.
gnomAD v4.1: 4 of 1,613,418 alleles (0.00025%); highest among the groups gnomAD compares: Admixed American, 0.005%; no homozygotes.

Submission:

Labcorp Genetics (formerly Invitae), Labcorp
Classification: Uncertain significance. Last evaluated: 2024-04-01. Review status: criteria provided, single submitter. Criteria: Invitae Variant Classification Sherloc (09022015). Collection method: clinical testing. Allele origin: germline.
Comment: This sequence change falls in intron 2 of the DNAJC12 gene. It does not directly change the encoded amino acid sequence of the DNAJC12 protein. It affects a nucleotide within the consensus splice site. This variant is not present in population databases (gnomAD no frequency). This variant has not been reported in the literature in individuals affected with DNAJC12-related conditions. ClinVar contains an entry for this variant (Variation ID: 1432906). Variants that disrupt the consensus splice site are a relatively common cause of aberrant splicing (PMID: 17576681, 9536098). Algorithms developed to predict the effect of sequence changes on RNA splicing suggest that this variant is not likely to affect RNA splicing. In summary, the available evidence is currently insufficient to determine the role of this variant in disease. Therefore, it has been classified as a Variant of Uncertain Significance.

Literature cited by the submitters: PubMed 17576681; PubMed 9536098.

NM_021800.3(DNAJC12):c.157+5G>T

Gene: DNAJC12 (DnaJ heat shock protein family (Hsp40) member C12; minus strand). Cytogenetic location: 10q21.3.
Variant type: single nucleotide variant.
Coding change: c.157+5G>T on transcript NM_021800.3 (MANE Select); 5 bases into the intron after coding-DNA position 157, G replaced by T.
Molecular consequence: intron variant.
Genome position (GRCh38, 1-based): chr10:67,823,309, C>A on the plus strand (G>T on the coding strand, the complement: DNAJC12 is on the minus strand). VCF-style: chr10-67823309-C-A. GRCh37 (hg19) VCF-style: chr10-69583067-C-A.
Other names: c.157+5G>T (NM_201262.2).
Identifiers: ClinVar variation 1432906 (VCV001432906.5), dbSNP rs1036386534, ClinGen allele CA929466216.